The following is an entry in ClinVar:

NM_001288705.3(CSF1R):c.2166C>T (p.Thr722=)

Gene: CSF1R (colony stimulating factor 1 receptor; minus strand). Cytogenetic location: 5q32.
Variant type: single nucleotide variant.
Coding change: c.2166C>T on transcript NM_001288705.3 (MANE Select); coding-DNA position 2166, C replaced by T.
Protein change: p.Thr722=; no amino-acid change (threonine 722 retained).
Molecular consequence: synonymous variant. On other transcripts: non-coding transcript variant (2).
Genome position (GRCh38, 1-based): chr5:150,057,559, G>A on the plus strand (C>T on the coding strand, the complement: CSF1R is on the minus strand). VCF-style: chr5-150057559-G-A. GRCh37 (hg19) VCF-style: chr5-149437122-G-A.
Other names: c.2166C>T, p.Thr722= (NM_001349736.2, NM_001375320.1, NM_005211.4); c.1722C>T, p.Thr574= (NM_001375321.1).
Identifiers: ClinVar variation 352138 (VCV000352138.12), dbSNP rs376570011, ClinGen allele CA3506530.

ClinVar aggregate classification (germline): Benign/Likely benign. Review status: criteria provided, multiple submitters, no conflicts (2 of 4 stars). 2 submissions from 2 submitters: Benign (1); Likely benign (1). Last evaluated 2025-11-11.

Conditions:
Hereditary diffuse leukoencephalopathy with spheroids. Also called: LEUKOENCEPHALOPATHY, ADULT-ONSET, WITH AXONAL SPHEROIDS AND PIGMENTED GLIA. Identifiers: Orphanet 313808, MedGen C3711381, MONDO:0030796.

Allele frequency attached by ClinVar (database versions not stated): TOPMed 0.00004; gnomAD 0.00006; ExAC 0.00007; gnomAD exomes 0.00008; ESP Exome Variant Server 0.00015.
gnomAD v4.1: 64 of 1,614,090 alleles (0.004%); highest among the groups gnomAD compares: Admixed American, 0.0033%; no homozygotes.

Submissions (2):

Labcorp Genetics (formerly Invitae), Labcorp
Classification: Benign. Last evaluated: 2025-11-11. Review status: criteria provided, single submitter. Criteria: Invitae Variant Classification Sherloc (09022015). Collection method: clinical testing. Allele origin: germline.

Illumina Laboratory Services, Illumina
Classification: Likely benign for Leukoencephalopathy, diffuse hereditary, with spheroids 1. Last evaluated: 2018-01-13. Review status: criteria provided, single submitter. Criteria: ICSL Variant Classification Criteria 13 December 2019. Collection method: clinical testing. Allele origin: germline.
Comment: This variant was observed in the ICSL laboratory as part of a predisposition screen in an ostensibly healthy population. It had not been previously curated by ICSL or reported in the Human Gene Mutation Database (HGMD: prior to June 1st, 2018), and was therefore a candidate for classification through an automated scoring system. Utilizing variant allele frequency, disease prevalence and penetrance estimates, and inheritance mode, an automated score was calculated to assess if this variant is too frequent to cause the disease. Based on the score and internal cut-off values, a variant classified as likely benign is not then subjected to further curation. The score for this variant resulted in a classification of likely benign for this disease.